The following is an entry in ClinVar:

ClinVar aggregate classification (germline): Uncertain significance (1 of 4 stars; one submission).

Submission:

GeneDx
Classification: Uncertain significance. Last evaluated: 2021-09-27. Review status: criteria provided, single submitter. Criteria: GeneDx Variant Classification Process June 2021. Collection method: clinical testing. Allele origin: germline. Affected: yes.
Comment: Not observed at significant frequency in large population cohorts (gnomAD); In silico analysis supports that this missense variant has a deleterious effect on protein structure/function; Has not been previously published as pathogenic or benign to our knowledge

NM_018206.6(VPS35):c.893T>C (p.Ile298Thr)

Gene: VPS35 (VPS35 retromer complex component; minus strand). Cytogenetic location: 16q11.2.
Variant type: single nucleotide variant.
Coding change: c.893T>C on transcript NM_018206.6 (MANE Select); coding-DNA position 893, T replaced by C.
Protein change: p.Ile298Thr; replaces isoleucine 298 with threonine.
Molecular consequence: missense variant.
Genome position (GRCh38, 1-based): chr16:46,676,604, A>G on the plus strand (T>C on the coding strand, the complement: VPS35 is on the minus strand). VCF-style: chr16-46676604-A-G. GRCh37 (hg19) VCF-style: chr16-46710516-A-G.
Other names: short protein forms I298T.
Identifiers: ClinVar variation 1526325 (VCV001526325.2), dbSNP rs2143008108, ClinGen allele CA395810785.